The following is an entry in ClinVar:

NM_032043.3(BRIP1):c.1151A>G (p.Asn384Ser)

Gene: BRIP1 (BRCA1 interacting DNA helicase 1; minus strand). Cytogenetic location: 17q23.2.
Variant type: single nucleotide variant.
Coding change: c.1151A>G on transcript NM_032043.3 (MANE Select); coding-DNA position 1151, A replaced by G.
Protein change: p.Asn384Ser; replaces asparagine 384 with serine.
Molecular consequence: missense variant.
Genome position (GRCh38, 1-based): chr17:61,799,289, T>C on the plus strand (A>G on the coding strand, the complement: BRIP1 is on the minus strand). VCF-style: chr17-61799289-T-C. GRCh37 (hg19) VCF-style: chr17-59876650-T-C.
Other names: short protein forms N384S.
Identifiers: ClinVar variation 407825 (VCV000407825.9), dbSNP rs1060501750, ClinGen allele CA16615852.

ClinVar aggregate classification (germline): Uncertain significance (1 of 4 stars; one submission).

Conditions:
Familial cancer of breast. Also called: Hereditary breast cancer; hereditary breast carcinoma; BREAST CANCER, FAMILIAL. Identifiers: Orphanet 227535, MedGen C0346153, MONDO:0016419, OMIM 114480. Disease mechanism: loss of function.
Fanconi anemia complementation group J. Also called: BRIP1-Related Fanconi Anemia. Identifiers: Orphanet 84, MedGen C1836860, MONDO:0012187, OMIM 609054.

Allele frequency attached by ClinVar (database versions not stated): gnomAD exomes below 0.00001.
gnomAD v4.1: 1 of 1,611,782 alleles (0.000062%); highest among the groups gnomAD compares: Non-Finnish European, 0.000085%; no homozygotes.

Submission:

Labcorp Genetics (formerly Invitae), Labcorp
Classification: Uncertain significance for Familial cancer of breast; Fanconi anemia complementation group J. Last evaluated: 2016-12-19. Review status: criteria provided, single submitter. Criteria: Invitae Variant Classification Sherloc (09022015). Collection method: clinical testing. Allele origin: germline.
Comment: In summary, this variant is a novel missense change that is not predicted to affect protein function. There is no indication that it causes disease, but the available evidence is currently insufficient to prove that conclusively. Therefore, it has been classified as a Variant of Uncertain Significance. Algorithms developed to predict the effect of missense changes on protein structure and function (SIFT, PolyPhen-2, Align-GVGD) all suggest that this variant is likely to be tolerated, but these predictions have not been confirmed by published functional studies. This variant is not present in population databases (ExAC no frequency) and has not been reported in the literature in individuals with a BRIP1-related disease. This sequence change replaces asparagine with serine at codon 384 of the BRIP1 protein (p.Asn384Ser). The asparagine residue is moderately conserved and there is a small physicochemical difference between asparagine and serine.